The following is an entry in ClinVar:

ClinVar aggregate classification (germline): Benign/Likely benign. Review status: criteria provided, multiple submitters, no conflicts (2 of 4 stars). 4 submissions from 4 submitters: Benign (1); Likely benign (3). Last evaluated 2024-11-07.

Conditions:
Oligodontia-cancer predisposition syndrome. Also called: TOOTH AGENESIS-COLORECTAL CANCER SYNDROME. Identifiers: Orphanet 300576, MedGen C1837750, MONDO:0012075, OMIM 608615. Disease mechanism: loss of function.
Hereditary cancer-predisposing syndrome. Also called: Tumor predisposition; Hereditary neoplastic syndrome; Neoplastic Syndromes, Hereditary; Hereditary Cancer Syndrome. Identifiers: Orphanet 140162, MedGen C0027672, MeSH D009386, MONDO:0015356.

Submissions (4):

Labcorp Genetics (formerly Invitae), Labcorp
Classification: Likely benign for Oligodontia-cancer predisposition syndrome. Last evaluated: 2024-11-07. Review status: criteria provided, single submitter. Criteria: Invitae Variant Classification Sherloc (09022015). Collection method: clinical testing. Allele origin: germline.

Myriad Genetics, Inc.
Classification: Benign for Oligodontia-cancer predisposition syndrome. Last evaluated: 2024-07-09. Review status: criteria provided, single submitter. Criteria: Myriad Autosomal Dominant, Autosomal Recessive and X-Linked Classification Criteria (2023). Collection method: clinical testing. Allele origin: unknown.
Comment: This variant is considered benign. This variant is a silent/synonymous amino acid change and it is not expected to impact splicing.

Ambry Genetics
Classification: Likely benign for Hereditary cancer-predisposing syndrome. Last evaluated: 2022-02-15. Review status: criteria provided, single submitter. Criteria: Ambry Variant Classification Scheme 2023. Collection method: clinical testing. Allele origin: germline.

GeneDx
Classification: Likely benign. Last evaluated: 2016-08-04. Review status: criteria provided, single submitter. Criteria: GeneDx Variant Classification (06012015). Collection method: clinical testing. Allele origin: germline. Affected: yes.
Comment: This variant is considered likely benign or benign based on one or more of the following criteria: it is a conservative change, it occurs at a poorly conserved position in the protein, it is predicted to be benign by multiple in silico algorithms, and/or has population frequency not consistent with disease.

NM_004655.4(AXIN2):c.1986G>A (p.Leu662=)

Gene: AXIN2 (axin 2; minus strand). Cytogenetic location: 17q24.1.
Variant type: single nucleotide variant.
Coding change: c.1986G>A on transcript NM_004655.4 (MANE Select); coding-DNA position 1986, G replaced by A.
Protein change: p.Leu662=; no amino-acid change (leucine 662 retained).
Molecular consequence: synonymous variant.
Genome position (GRCh38, 1-based): chr17:65,536,475, C>T on the plus strand (G>A on the coding strand, the complement: AXIN2 is on the minus strand). VCF-style: chr17-65536475-C-T. GRCh37 (hg19) VCF-style: chr17-63532593-C-T.
Other names: c.1986G>A (LRG_296t1); c.1791G>A, p.Leu597= (NM_001363813.1).
Identifiers: ClinVar variation 379711 (VCV000379711.13), dbSNP rs1057520705, ClinGen allele CA16607780.